The following is an entry in ClinVar:

ClinVar aggregate classification (germline): Pathogenic/Likely pathogenic. Review status: criteria provided, multiple submitters, no conflicts (2 of 4 stars). 15 submissions from 15 submitters: Pathogenic (10); Likely pathogenic (3). 2 of the submissions do not count toward it. Last evaluated 2025-09-16.

Conditions:
Glycogen storage disease IV, classic hepatic. Also called: GSD IV, CLASSIC HEPATIC. Identifiers: MedGen C1856301.
Glycogen storage disease, type IV (GSD4). Also called: AMYLOPECTINOSIS; ANDERSEN DISEASE; BRANCHER DEFICIENCY; CIRRHOSIS, FAMILIAL, WITH DEPOSITION OF ABNORMAL GLYCOGEN; GBE1 DEFICIENCY; GLYCOGEN BRANCHING ENZYME DEFICIENCY. Identifiers: Orphanet 367, MedGen C0017923, MONDO:0009292, OMIM 232500.
Autosomal recessive GBE1-related disorders.
GBE1-related disorder. Also called: GBE1-related condition; GBE1-related disorders. Identifiers: MedGen CN239402.
Adult polyglucosan body neuropathy. Identifiers: MedGen C4017118.
Adult polyglucosan body disease (APBN). Also called: GBE1-Adult Polyglucosan Body Disease; POLYGLUCOSAN BODY DISEASE, ADULT FORM. Identifiers: Orphanet 206583, MedGen C1849722, MONDO:0009897, OMIM 263570.

Allele frequency attached by ClinVar (database versions not stated): gnomAD exomes 0.00002 and 0.00003; ExAC 0.00004; TOPMed 0.00004; gnomAD 0.00005; ESP Exome Variant Server 0.00008.
gnomAD v4.1: 40 of 1,608,922 alleles (0.0025%); highest among the groups gnomAD compares: Non-Finnish European, 0.003%; no homozygotes.

Submissions (15):

Natera, Inc.
Classification: Pathogenic for Glycogen storage disease type IV. Last evaluated: 2025-09-16. Review status: criteria provided, single submitter. Criteria: Natera Variant Classification Schema (03/2026). Collection method: clinical testing. Allele origin: germline.
Comment: The c.1544G>A variant in GBE1 is a missense variant predicted to cause substitution of arginine to histidine at amino acid 515. This variant is rare in the general population with a frequency below the threshold expected for the associated phenotype(s). This variant has been observed in one or more individuals affected with the associated recessive disease, as either homozygous or compound heterozygous with a second variant (PMID: 36830903, 32685346, 22305237). A different variant at the same position has been determined to be Pathogenic or Likely Pathogenic. Computational prediction algorithms indicate this variant is likely to affect gene or protein function. Given the available evidence, this variant is classified as Pathogenic.

Revvity Omics, Revvity
Classification: Pathogenic. Last evaluated: 2025-06-11. Review status: criteria provided, single submitter. Criteria: ACMG Guidelines, 2015. Collection method: clinical testing. Allele origin: germline.

CeGaT Center for Human Genetics Tuebingen
Classification: Pathogenic. Last evaluated: 2025-06-01. Review status: criteria provided, single submitter. Criteria: CeGaT Center For Human Genetics Tuebingen Variant Classification Criteria Version 2. Collection method: clinical testing. Allele origin: germline. Affected: yes. Observed: 2 variant alleles.
Comment: GBE1: PM3:Very Strong, PM2, PM5, PP3

Variantyx, Inc.
Classification: Likely pathogenic for Autosomal recessive GBE1-related disorders. Last evaluated: 2025-03-14. Review status: criteria provided, single submitter. Criteria: Variantyx Assertion Criteria 2022. Collection method: clinical testing. Allele origin: germline.
Comment: This is a nonsynonymous variant in the GBE1 gene (OMIM: 607839). Pathogenic variants in this gene have been associated with autosomal recessive GBE1-related disorders. This variant has been reported in the homozygous or compound heterozygous state in several unrelated affected individuals (PMID: 36830903, 31815882) (PM3_Strong). An alternate amino acid change at this position (p.Arg515Cys) has been previously reported in similarly affected individuals, which suggests that this residue is biologically important (PMID: 8613547, 11949934) (PM5). Multiple computational algorithms predict a deleterious effect for this variant (REVEL score: 0.872) (PP3_Moderate). This variant has a 0.0030% maximum allele frequency in non-founder control populations (PM2_Supporting). Based on the current evidence, this variant is classified as likely pathogenic for autosomal recessive GBE1-related disorders.

Labcorp Genetics (formerly Invitae), Labcorp
Classification: Pathogenic for Glycogen storage disease, type IV; Glycogen storage disease IV, classic hepatic. Last evaluated: 2024-08-22. Review status: criteria provided, single submitter. Criteria: Invitae Variant Classification Sherloc (09022015). Collection method: clinical testing. Allele origin: germline.
Comment: This sequence change replaces arginine, which is basic and polar, with histidine, which is basic and polar, at codon 515 of the GBE1 protein (p.Arg515His). This variant is present in population databases (rs201958741, gnomAD 0.008%). This missense change has been observed in individual(s) with adult polyglucosan body disease or glycogen storage disease IV (PMID: 10762170, 24248152; internal data). In at least one individual the data is consistent with being in trans (on the opposite chromosome) from a pathogenic variant. ClinVar contains an entry for this variant (Variation ID: 180651). Invitae Evidence Modeling of protein sequence and biophysical properties (such as structural, functional, and spatial information, amino acid conservation, physicochemical variation, residue mobility, and thermodynamic stability) indicates that this missense variant is expected to disrupt GBE1 protein function with a positive predictive value of 95%. This variant disrupts the p.Arg515 amino acid residue in GBE1. Other variant(s) that disrupt this residue have been observed in individuals with GBE1-related conditions (PMID: 8613547, 20058079), which suggests that this may be a clinically significant amino acid residue. For these reasons, this variant has been classified as Pathogenic.

GeneDx
Classification: Pathogenic. Last evaluated: 2024-05-09. Review status: criteria provided, single submitter. Criteria: GeneDx Variant Classification Process June 2021. Collection method: clinical testing. Allele origin: germline. Affected: yes.
Comment: Not observed at significant frequency in large population cohorts (gnomAD); In silico analysis supports that this missense variant has a deleterious effect on protein structure/function; This variant is associated with the following publications: (PMID: 10762170, 9851430, 12874416, 31815882, 33141444, 28716262, 32685346, 30228975, 38516405, 37269902, 36830903, 24248152)

Baylor Genetics
Classification: Pathogenic for Glycogen storage disease, type IV. Last evaluated: 2024-02-25. Review status: criteria provided, single submitter. Criteria: ACMG Guidelines, 2015. Collection method: clinical testing. Allele origin: unknown.

Blueprint Genetics
Classification: Pathogenic for GBE1-related disorders. Last evaluated: 2023-11-02. Review status: criteria provided, single submitter. Criteria: ACMG Guidelines, 2015. Collection method: clinical testing. Allele origin: germline. Affected: yes. Observed: 1 variant allele.

Mendelics
Classification: Pathogenic for Glycogen storage disease, type IV. Last evaluated: 2022-05-04. Review status: criteria provided, single submitter. Criteria: Mendelics Assertion Criteria 2019. Collection method: clinical testing. Allele origin: germline.

Broad Center for Mendelian Genomics, Broad Institute of MIT and Harvard
Classification: Likely pathogenic for Adult polyglucosan body disease. Last evaluated: 2022-01-27. Review status: criteria provided, single submitter. Criteria: ACMG Guidelines, 2015. Collection method: curation. Allele origin: germline. Inheritance: Autosomal recessive inheritance.
Comment: The p.Arg515His variant in GBE1 has been reported in 4 individuals with adult polyglucosan body disease (APBD) (PMID: 10762170, 24248152, 31815882) and has been identified in 0.008% (2/23806) of African/African American chromosomes by the Genome Aggregation Database (gnomAD; dbSNP ID: rs201958741). Although this variant has been seen in the general population in a heterozygous state, its frequency is low enough to be consistent with a recessive carrier frequency. Of the 4 affected individuals, 1 was a compound heterozygote that carried a reported likely pathogenic variants in trans, 1 was a homozygote, and 2 were compound heterozygotes that carried variants of uncertain significance in trans, which increases the likelihood that the p.Arg515His variant is pathogenic (VariationID: 2782; PMID: 10762170, 24248152, 31815882). This variant has also been reported in ClinVar (Variation ID#: 180651) and has been interpreted as pathogenic or likely pathogenic by Invitae, OMIM, GeneDx, EGL Genetic Diagnostics (Eurofins Clinical Diagnostics), and Natera. Computational prediction tools and conservation analyses suggest that this variant may impact the protein, though this information is not predictive enough to determine pathogenicity. In summary, although additional studies are required to fully establish its clinical significance, this variant is likely pathogenic for APBD. ACMG/AMP Criteria applied: PP3, PM3_strong, PM2_supporting (Richards 2015).

Laboratorio de Genetica e Diagnostico Molecular, Hospital Israelita Albert Einstein
Classification: Likely pathogenic. Last evaluated: 2022-01-12. Review status: criteria provided, single submitter. Criteria: ACMG Guidelines, 2015. Collection method: clinical testing. Allele origin: germline. Affected: yes.
Comment: ACMG classification criteria: PS4, PM2, PM3, PP3

Eurofins Ntd Llc (ga)
Classification: Pathogenic. Last evaluated: 2016-06-03. Review status: criteria provided, single submitter. Criteria: EGL Classification Definitions 2015. Collection method: clinical testing. Allele origin: germline. Observed: 1 variant allele, 1 heterozygote.

Rady Children's Institute for Genomic Medicine, Rady Children's Hospital San Diego
Classification: Pathogenic for Glycogen storage disease IV. Review status: criteria provided, single submitter. Criteria: ACMG Guidelines, 2015. Collection method: clinical testing. Allele origin: germline. Affected: yes.
Comment: This variant has been previously reported as a homozygous or compound heterozygous change in patients with adult onset polyglucosan body disease and glycogen storage disease IV (PMID: 10762170, 12874416, 24248152, 31815882). It is present in the heterozygous state in the gnomAD population database at a frequency of 0.004% (10/275166) and thus is presumed to be rare. The c.1544G>A (p.Arg515His) variant affects a highly conserved amino acid and is predicted by multiple in silico tools to have a deleterious effect on protein function. A different missense change at the same codon (p.Arg515Cys) has also been observed in individuals with GBE1-related conditions (PMID: 8613547), which suggests that this may be a clinically significant amino acid residue. Based on the available evidence, the c.1544G>A (p.Arg515His) variant is classified as Pathogenic.

PreventionGenetics, part of Exact Sciences
Classification: Likely pathogenic for GBE1-related condition. Last evaluated: 2023-10-23. Review status: no assertion criteria provided. Collection method: clinical testing. Allele origin: germline. Not counted in ClinVar's aggregate classification.
Comment: The GBE1 c.1544G>A variant is predicted to result in the amino acid substitution p.Arg515His. This variant has been reported, in the homozygous or compound heterozygous state, in patients with clinical features consistent with later-onset glycogen storage disease type IV (GSD IV) or adult polyglucosan body disease (APBD), and reduced glycogen branching enzyme activity in various tested cell types (Ziemssen et al. 2000. PubMed ID: 10762170; Sindern et al. 2003. PubMed ID: 12874416; Billot et al. 2013. PubMed ID: 23146612; Paradas et al. 2014. PubMed ID: 24248152). It has also been reported, along with the known pathogenic c.986A>C (p.Tyr329Ser) variant, in a patient with features consistent with hereditary spastic paraplegia (Souza et al. 2017. PubMed ID: 28716262). To our knowledge, the c.1544G>A (p.Arg515His) variant has not been reported in patients with infantile onset GSD IV, although a different substitution of the same amino acid (p.Arg515Cys) has been reported in patients with infantile onset GSD IV (Bao et al. 1996. PubMed ID: 8613547; Li et al. 2010. PubMed ID: 20058079). This variant is reported in 0.0084% of alleles in individuals of African descent in gnomAD. This variant is interpreted as likely pathogenic.

OMIM
Classification: Pathogenic for ADULT POLYGLUCOSAN BODY NEUROPATHY. Last evaluated: 2000-04-01. Review status: no assertion criteria provided. Collection method: literature only. Allele origin: germline. Not counted in ClinVar's aggregate classification.

Literature cited by the submitters: PubMed 36830903 (cited by Natera, Inc.); PubMed 32685346 (cited by Natera, Inc.); PubMed 22305237 (cited by Natera, Inc.); PubMed 10762170 (cited by Labcorp Genetics (formerly Invitae), Labcorp and OMIM); PubMed 24248152 (cited by Labcorp Genetics (formerly Invitae), Labcorp); PubMed 8613547 (cited by Labcorp Genetics (formerly Invitae), Labcorp); PubMed 20058079 (cited by Labcorp Genetics (formerly Invitae), Labcorp).

NM_000158.4(GBE1):c.1544G>A (p.Arg515His)

Gene: GBE1 (1,4-alpha-glucan branching enzyme 1; minus strand). Cytogenetic location: 3p12.2.
Variant type: single nucleotide variant.
Coding change: c.1544G>A on transcript NM_000158.4 (MANE Select); coding-DNA position 1544, G replaced by A.
Protein change: p.Arg515His; replaces arginine 515 with histidine.
Molecular consequence: missense variant.
Genome position (GRCh38, 1-based): chr3:81,577,999, C>T on the plus strand (G>A on the coding strand, the complement: GBE1 is on the minus strand). VCF-style: chr3-81577999-C-T. GRCh37 (hg19) VCF-style: chr3-81627150-C-T.
Other names: NM_000158.4(GBE1):c.1544G>A; short protein forms R515H.
Identifiers: ClinVar variation 180651 (VCV000180651.37), dbSNP rs201958741, ClinGen allele CA185932.